The following is an entry in ClinVar:

NM_000539.3(RHO):c.511C>T (p.Pro171Ser)

Gene: RHO (rhodopsin; plus strand). Cytogenetic location: 3q22.1.
Variant type: single nucleotide variant.
Coding change: c.511C>T on transcript NM_000539.3 (MANE Select); coding-DNA position 511, C replaced by T.
Protein change: p.Pro171Ser; replaces proline 171 with serine.
Molecular consequence: missense variant.
Genome position (GRCh38, 1-based): chr3:129,531,025, C>T. VCF-style: chr3-129531025-C-T. GRCh37 (hg19) VCF-style: chr3-129249868-C-T.
Other names: short protein forms P171S.
Identifiers: ClinVar variation 13050 (VCV000013050.14), dbSNP rs104893794, ClinGen allele CA256690.

ClinVar aggregate classification (germline): Pathogenic. Review status: criteria provided, multiple submitters, no conflicts (2 of 4 stars). 5 submissions from 5 submitters: Pathogenic (3). 2 of the submissions do not count toward it. Last evaluated 2023-11-13.

Conditions:
RHO-related disorder. Also called: RHO-related condition.
Retinitis pigmentosa (RP). Identifiers: Orphanet 791, MedGen C0035334, MeSH D012174, MONDO:0019200, OMIM 268000. Inheritance: Autosomal dominant, autosomal recessive and X linked inheritance.
Retinal dystrophy. Also called: Inherited retinal dystrophy. Identifiers: Orphanet 71862, MedGen C0854723, MeSH D058499, MONDO:0019118, HP:0000556.
Retinitis pigmentosa 4 (RP4). Also called: RETINITIS PIGMENTOSA, RHODOPSIN-RELATED. Identifiers: Orphanet 791, MedGen C3151001, MONDO:0013395, OMIM 613731.

Allele frequency attached by ClinVar (database versions not stated): gnomAD exomes below 0.00001.

Submissions (5):

Labcorp Genetics (formerly Invitae), Labcorp
Classification: Pathogenic. Last evaluated: 2023-11-13. Review status: criteria provided, single submitter. Criteria: Invitae Variant Classification Sherloc (09022015). Collection method: clinical testing. Allele origin: germline.
Comment: This sequence change replaces proline, which is neutral and non-polar, with serine, which is neutral and polar, at codon 171 of the RHO protein (p.Pro171Ser). This variant is present in population databases (rs104893794, gnomAD 0.01%). This missense change has been observed in individuals with clinical features of autosomal dominant retinitis pigmentosa (PMID: 8088850, 26962691; Invitae). ClinVar contains an entry for this variant (Variation ID: 13050). Advanced modeling of protein sequence and biophysical properties (such as structural, functional, and spatial information, amino acid conservation, physicochemical variation, residue mobility, and thermodynamic stability) performed at Invitae indicates that this missense variant is expected to disrupt RHO protein function with a positive predictive value of 80%. This variant disrupts the p.Pro171 amino acid residue in RHO. Other variant(s) that disrupt this residue have been determined to be pathogenic (PMID: 1833777, 8253795, 29847639). This suggests that this residue is clinically significant, and that variants that disrupt this residue are likely to be disease-causing. For these reasons, this variant has been classified as Pathogenic.

Blueprint Genetics
Classification: Pathogenic for RHO-related disorders. Last evaluated: 2022-08-25. Review status: criteria provided, single submitter. Criteria: ACMG Guidelines, 2015. Collection method: clinical testing. Allele origin: germline. Affected: yes. Observed: 5 variant alleles.

Institute of Human Genetics, Univ. Regensburg, Univ. Regensburg
Classification: Pathogenic for Retinal dystrophy. Last evaluated: 2022-01-01. Review status: criteria provided, single submitter. Criteria: ACMG Guidelines, 2015. Collection method: clinical testing. Allele origin: germline. Affected: yes.

Sharon lab, Hadassah-Hebrew University Medical Center
Classification: Likely pathogenic for Retinitis pigmentosa. Last evaluated: 2019-06-23. Review status: no assertion criteria provided. Collection method: research. Allele origin: inherited. Affected: yes. Not counted in ClinVar's aggregate classification.

OMIM
Classification: Pathogenic for RETINITIS PIGMENTOSA 4. Last evaluated: 1994-05-15. Review status: no assertion criteria provided. Collection method: literature only. Allele origin: germline. Not counted in ClinVar's aggregate classification.

Literature cited by the submitters: PubMed 8088850 (cited by 3 submitters); PubMed 26962691 (cited by Labcorp Genetics (formerly Invitae), Labcorp and Institute of Human Genetics, Univ. Regensburg, Univ. Regensburg); PubMed 1833777 (cited by Labcorp Genetics (formerly Invitae), Labcorp); PubMed 8253795 (cited by Labcorp Genetics (formerly Invitae), Labcorp); PubMed 29847639 (cited by Labcorp Genetics (formerly Invitae), Labcorp); PubMed 11139241 (cited by Institute of Human Genetics, Univ. Regensburg, Univ. Regensburg); PubMed 21094163 (cited by Institute of Human Genetics, Univ. Regensburg, Univ. Regensburg); PubMed 30977563 (cited by Institute of Human Genetics, Univ. Regensburg, Univ. Regensburg); PubMed 31456290 (cited by Institute of Human Genetics, Univ. Regensburg, Univ. Regensburg); PubMed 36070159 (cited by Institute of Human Genetics, Univ. Regensburg, Univ. Regensburg); PubMed 36460718 (cited by Institute of Human Genetics, Univ. Regensburg, Univ. Regensburg).